The following is an entry in ClinVar:

ClinVar aggregate classification (germline): Pathogenic. Review status: reviewed by expert panel (3 of 4 stars). 2 submissions from 2 submitters: Pathogenic (1). 1 of the submissions does not count toward it. Last evaluated 2016-09-08.

Conditions:
Breast-ovarian cancer, familial, susceptibility to, 1 (BROVCA1). Also called: BRCA1 Hereditary Breast and Ovarian Cancer; OVARIAN CANCER, SUSCEPTIBILITY TO. Identifiers: Orphanet 145, MedGen C2676676, MONDO:0011450, OMIM 604370. Disease mechanism: loss of function.

Submissions (2):

Evidence-based Network for the Interpretation of Germline Mutant Alleles (ENIGMA)
Classification: Pathogenic for Breast-ovarian cancer, familial, susceptibility to, 1. Last evaluated: 2016-09-08. Review status: reviewed by expert panel. Criteria: ENIGMA BRCA1/2 Classification Criteria (2015). Collection method: curation. Allele origin: germline.
Comment: Variant allele predicted to encode a truncated non-functional protein.

Consortium of Investigators of Modifiers of BRCA1/2 (CIMBA), c/o University of Cambridge
Classification: Pathogenic for Breast-ovarian cancer, familial, susceptibility to, 1. Last evaluated: 2015-10-02. Review status: criteria provided, single submitter. Criteria: CIMBA Mutation Classification guidelines May 2016. Collection method: clinical testing. Allele origin: germline. Not counted in ClinVar's aggregate classification.

NM_007294.4(BRCA1):c.856G>T (p.Glu286Ter)

Gene: BRCA1 (BRCA1 DNA repair associated; minus strand). Cytogenetic location: 17q21.31.
Variant type: single nucleotide variant.
Coding change: c.856G>T on transcript NM_007294.4 (MANE Select); coding-DNA position 856, G replaced by T.
Protein change: p.Glu286Ter; replaces glutamic acid 286 with a stop codon.
Molecular consequence: nonsense. On other transcripts: intron variant (137), 5 prime UTR variant (2).
Genome position (GRCh38, 1-based): chr17:43,094,675, C>A on the plus strand (G>T on the coding strand, the complement: BRCA1 is on the minus strand). VCF-style: chr17-43094675-C-A. GRCh37 (hg19) VCF-style: chr17-41246692-C-A.
Other names: c.787+69G>T (NM_001407980.1, NM_001407993.1, NM_001407976.1 and 19 more transcripts); c.652+69G>T (NM_001408451.1); c.643+69G>T (NM_001408464.1, NM_001408468.1, NM_001408465.1 and 3 more transcripts); c.523+69G>T (NM_001408498.1, NM_001408501.1, NM_001408500.1 and 3 more transcripts); c.646+69G>T (NM_001408467.1, NM_001408459.1, NM_001408455.1 and 11 more transcripts); c.583+69G>T (NM_001408475.1); c.709+69G>T (NM_001408412.1, NM_001408409.1, NM_001408414.1 and 2 more transcripts); c.451+69G>T (NM_001408509.1, NM_001408508.1); and 40 more; short protein forms E286*, E239*, E118*, E159*, E216*, E218*, E245*, E260*.
Identifiers: ClinVar variation 254382 (VCV000254382.4), dbSNP rs886037980, ClinGen allele CA10586664.